The following is an entry in ClinVar:

NM_001081550.2(THOC2):c.4448G>A (p.Arg1483Lys)

Gene: THOC2 (THO complex subunit 2; minus strand). Cytogenetic location: Xq25.
Variant type: single nucleotide variant.
Coding change: c.4448G>A on transcript NM_001081550.2 (MANE Select); coding-DNA position 4448, G replaced by A.
Protein change: p.Arg1483Lys; replaces arginine 1483 with lysine.
Molecular consequence: missense variant.
Genome position (GRCh38, 1-based): chrX:123,614,053, C>T on the plus strand (G>A on the coding strand, the complement: THOC2 is on the minus strand). VCF-style: chrX-123614053-C-T. GRCh37 (hg19) VCF-style: chrX-122747904-C-T.
Other names: c.4529G>A, p.Arg1510Lys (NM_001441235.1); c.4448G>A, p.Arg1483Lys (NM_001441236.1); short protein forms R1483K, R1510K.
Identifiers: ClinVar variation 5020176 (VCV005020176.1).

ClinVar aggregate classification (germline): Uncertain significance (1 of 4 stars; one submission).

Submission:

Dasa
Classification: Uncertain significance. Last evaluated: 2026-07-18. Review status: criteria provided, single submitter. Criteria: DASA Assertion Criteria. Collection method: clinical testing. Allele origin: germline.
Comment: NM_001081550.2(THOC2):c.4448G>A (p.Arg1483Lys) is a missense variant that results in the substitution of arginine with lysine. This variant is rare in population databases. Computational prediction algorithms are consistent with a deleterious effect. The currently available literature and clinical evidence are not sufficient to establish a definitive association between this variant and the reported condition. Therefore, this variant is classified as a variant of uncertain significance.